The following is an entry in ClinVar:

ClinVar aggregate classification (germline): Uncertain significance (1 of 4 stars; one submission).

Submission:

GeneDx
Classification: Uncertain significance. Last evaluated: 2024-03-25. Review status: criteria provided, single submitter. Criteria: GeneDx Variant Classification Process June 2021. Collection method: clinical testing. Allele origin: germline. Affected: yes.
Comment: In-frame insertion of 1 amino acid in a non-repeat region; Not observed at significant frequency in large population cohorts (gnomAD); Has not been previously published as pathogenic or benign to our knowledge; This substitution is predicted to be within the C-terminal cytoplasmic domain

NM_001040142.2(SCN2A):c.5755_5757dup (p.Tyr1919_Leu1920insTyr)

Gene: SCN2A (sodium voltage-gated channel alpha subunit 2; plus strand). Cytogenetic location: 2q24.3.
Variant type: Duplication.
Coding change: c.5755_5757dup on transcript NM_001040142.2 (MANE Select); coding-DNA positions 5755 to 5757, 3 bases duplicated (TAC; older notation c.5755_5757dupTAC).
Protein change: p.Tyr1919_Leu1920insTyr.
Genome position (GRCh38, 1-based): chr2:165,389,561-165,389,563, TAC duplicated; duplicating any 3 consecutive bases within chr2:165,389,560-165,389,563 gives the same sequence; the c. name uses the placement nearest the transcript's 3' end. VCF-style (leftmost placement, unchanged base first): chr2-165389559-G-GCTA. GRCh37 (hg19) VCF-style: chr2-166246069-G-GCTA.
Other names: c.5755_5757dup, p.Tyr1919_Leu1920insTyr (NM_001040143.2, NM_001371246.1, NM_001371247.1 and 1 more transcripts).
Identifiers: ClinVar variation 3371175 (VCV003371175.1).